The following is an entry in ClinVar:

ClinVar aggregate classification (germline): Pathogenic (1 of 4 stars; one submission).

Conditions:
Mitochondrial complex II deficiency, nuclear type 1. Also called: SUCCINATE CoQ REDUCTASE DEFICIENCY. Identifiers: Orphanet 3208, MedGen C5700310, MONDO:0100294, OMIM 252011.
Pheochromocytoma/paraganglioma syndrome 5. Also called: Paragangliomas 5; SDHA-Related Hereditary Paraganglioma-Pheochromocytoma Syndrome. Identifiers: Orphanet 29072, MedGen C3279992, MONDO:0013602, OMIM 614165.

Submission:

Labcorp Genetics (formerly Invitae), Labcorp
Classification: Pathogenic for Pheochromocytoma/paraganglioma syndrome 5; Mitochondrial complex II deficiency, nuclear type 1. Last evaluated: 2025-09-23. Review status: criteria provided, single submitter. Criteria: Invitae Variant Classification Sherloc (09022015). Collection method: clinical testing. Allele origin: germline.
Comment: This sequence change creates a premature translational stop signal (p.Val406Glyfs*26) in the SDHA gene. It is expected to result in an absent or disrupted protein product. Loss-of-function variants in SDHA are known to be pathogenic (PMID: 22974104, 24781757). This variant is not present in population databases (gnomAD no frequency). This variant has not been reported in the literature in individuals affected with SDHA-related conditions. For these reasons, this variant has been classified as Pathogenic.

Literature cited by the submitters: PubMed 22974104; PubMed 24781757.

NM_004168.4(SDHA):c.1191_1216dup (p.Val406fs)

Gene: SDHA (succinate dehydrogenase complex flavoprotein subunit A; plus strand). Cytogenetic location: 5p15.33.
Variant type: Duplication.
Coding change: c.1191_1216dup on transcript NM_004168.4 (MANE Select); coding-DNA positions 1191 to 1216, 26 bases duplicated (GGAGCCGATCCCTGTCCTCCCCACCG).
Protein change: p.Val406fs; shifts the reading frame from valine 406.
Molecular consequence: frameshift variant.
Genome position (GRCh38, 1-based): chr5:235,270-235,295, GGAGCCGATCCCTGTCCTCCCCACCG duplicated. VCF-style (leftmost placement, unchanged base first): chr5-235269-A-AGGAGCCGATCCCTGTCCTCCCCACCG. GRCh37 (hg19) VCF-style: chr5-235384-A-AGGAGCCGATCCCTGTCCTCCCCACCG.
Other names: c.1047_1072dup, p.Val358fs (NM_001294332.2); c.1191_1216dup, p.Val406fs (NM_001330758.2); short protein forms V358fs, V406fs.
Identifiers: ClinVar variation 4784988 (VCV004784988.1).
Genomic context (GRCh38, chr5:235,269, plus strand): 5'-CCACGCGCCTGCCTGGCATTTCAGAGACAGCCATGATCTTCGCTGGCGTGGACGTCACGA[A>AGGAGCCGATCCCTGTCCTCCCCACCG]GGAGCCGATCCCTGTCCTCCCCACCGTGCATTATAACATGGGCGGCATTCCCACCAACTA-3'